The following is an entry in ClinVar:

NM_000903.3(NQO1):c.113T>G (p.Val38Gly)

Gene: NQO1 (NAD(P)H quinone dehydrogenase 1; minus strand). Cytogenetic location: 16q22.1.
Variant type: single nucleotide variant.
Coding change: c.113T>G on transcript NM_000903.3 (MANE Select); coding-DNA position 113, T replaced by G.
Protein change: p.Val38Gly; replaces valine 38 with glycine.
Molecular consequence: missense variant.
Genome position (GRCh38, 1-based): chr16:69,718,429, A>C on the plus strand (T>G on the coding strand, the complement: NQO1 is on the minus strand). VCF-style: chr16-69718429-A-C. GRCh37 (hg19) VCF-style: chr16-69752332-A-C.
Other names: c.113T>G, p.Val38Gly (NM_001025433.2, NM_001025434.2, NM_001286137.2); short protein forms V38G.
Identifiers: ClinVar variation 1730928 (VCV001730928.3), dbSNP rs2038144785, ClinGen allele CA396491593.
Genomic context (GRCh38, chr16:69,718,429, plus strand): 5'-CCTGTGATGTCCTTTCTGGAAATGATGGGATTGAAGTTCATGGCATAGAGGTCCGACTCC[A>C]CCACCTCCCATCCTTTCTTCTTCAAAGCCGCTGCAGCAGCCTCCTTCATGGCATAGTTGA-3'
Protein context (NP_000894.1, residues 28-48): AALKKKGWEV[Val38Gly]ESDLYAMNFN

ClinVar aggregate classification (germline): Uncertain significance (1 of 4 stars; one submission).

Allele frequency attached by ClinVar (database versions not stated): gnomAD exomes below 0.00001.
gnomAD v4.1: 1 of 1,614,168 alleles (0.000062%); highest among the groups gnomAD compares: Non-Finnish European, 0.000085%; no homozygotes.

Submission:

Ambry Genetics
Classification: Uncertain significance. Last evaluated: 2024-06-26. Review status: criteria provided, single submitter. Criteria: Ambry Variant Classification Scheme 2023. Collection method: clinical testing. Allele origin: germline.
Comment: The p.V38G variant (also known as c.113T>G), located in coding exon 2 of the NQO1 gene, results from a T to G substitution at nucleotide position 113. The valine at codon 38 is replaced by glycine, an amino acid with dissimilar properties. This amino acid position is conserved. In addition, this alteration is predicted to be tolerated by in silico analysis. Since supporting evidence is limited at this time, the clinical significance of this alteration remains unclear.